The following is an entry in ClinVar:

NM_024312.5(GNPTAB):c.1963C>T (p.Pro655Ser)

Gene: GNPTAB (N-acetylglucosamine-1-phosphate transferase subunits alpha and beta; minus strand). Cytogenetic location: 12q23.2.
Variant type: single nucleotide variant.
Coding change: c.1963C>T on transcript NM_024312.5 (MANE Select); coding-DNA position 1963, C replaced by T.
Protein change: p.Pro655Ser; replaces proline 655 with serine.
Molecular consequence: missense variant.
Genome position (GRCh38, 1-based): chr12:101,764,954, G>A on the plus strand (C>T on the coding strand, the complement: GNPTAB is on the minus strand). VCF-style: chr12-101764954-G-A. GRCh37 (hg19) VCF-style: chr12-102158732-G-A.
Other names: short protein forms P655S.
Identifiers: ClinVar variation 2228765 (VCV002228765.3), dbSNP rs940673327, ClinGen allele CA242456855.

ClinVar aggregate classification (germline): Uncertain significance. Review status: criteria provided, multiple submitters, no conflicts (2 of 4 stars). 2 submissions from 2 submitters: Uncertain significance (2). Last evaluated 2025-03-01.

Conditions:
Mucolipidosis type II. Also called: Mucolipidosis 2; ML 2; Inclusion cell disease; Leroy Disease; N-acetylglucosamine 1phosphotransferase deficiency; ML disorder type 2. Identifiers: Orphanet 576, MedGen C2673377, MONDO:0009650, OMIM 252500.
Pseudo-Hurler polydystrophy. Also called: ML IIIA; Mucolipidosis III Alpha/Beta; MUCOLIPIDOSIS IIIA; ML III; ML III ALPHA/BETA; Type III Mucolipidosis. Identifiers: Orphanet 423461, Orphanet 577, MedGen C0033788, MONDO:0018931, OMIM 252600.
Inborn genetic diseases. Identifiers: MedGen C0950123, MeSH D030342.

Allele frequency attached by ClinVar (database versions not stated): TOPMed below 0.00001; gnomAD 0.00001; gnomAD exomes 0.00001.
gnomAD v4.1: 23 of 1,613,818 alleles (0.0014%); highest among the groups gnomAD compares: Non-Finnish European, 0.0019%; no homozygotes.

Submissions (2):

Labcorp Genetics (formerly Invitae), Labcorp
Classification: Uncertain significance for Pseudo-Hurler polydystrophy; Mucolipidosis type II. Last evaluated: 2025-03-01. Review status: criteria provided, single submitter. Criteria: Invitae Variant Classification Sherloc (09022015). Collection method: clinical testing. Allele origin: germline.
Comment: This sequence change replaces proline, which is neutral and non-polar, with serine, which is neutral and polar, at codon 655 of the GNPTAB protein (p.Pro655Ser). This variant is present in population databases (no rsID available, gnomAD 0.002%). This variant has not been reported in the literature in individuals affected with GNPTAB-related conditions. ClinVar contains an entry for this variant (Variation ID: 2228765). Invitae Evidence Modeling of protein sequence and biophysical properties (such as structural, functional, and spatial information, amino acid conservation, physicochemical variation, residue mobility, and thermodynamic stability) indicates that this missense variant is not expected to disrupt GNPTAB protein function with a negative predictive value of 80%. In summary, the available evidence is currently insufficient to determine the role of this variant in disease. Therefore, it has been classified as a Variant of Uncertain Significance.

Ambry Genetics
Classification: Uncertain significance for Inborn genetic diseases. Last evaluated: 2021-01-26. Review status: criteria provided, single submitter. Criteria: Ambry Variant Classification Scheme 2023. Collection method: clinical testing. Allele origin: germline.
Comment: The c.1963C>T (p.P655S) alteration is located in exon 13 (coding exon 13) of the GNPTAB gene. This alteration results from a C to T substitution at nucleotide position 1963, causing the proline (P) at amino acid position 655 to be replaced by a serine (S). The p.P655S alteration is predicted to be tolerated by in silico analysis. Based on insufficient or conflicting evidence, the clinical significance of this alteration remains unclear.